The following is an entry in ClinVar:

NM_000083.3(CLCN1):c.1814T>C (p.Val605Ala)

Gene: CLCN1 (chloride voltage-gated channel 1; plus strand). Cytogenetic location: 7q34.
Variant type: single nucleotide variant.
Coding change: c.1814T>C on transcript NM_000083.3 (MANE Select); coding-DNA position 1814, T replaced by C.
Protein change: p.Val605Ala; replaces valine 605 with alanine.
Molecular consequence: missense variant. On other transcripts: non-coding transcript variant (1).
Genome position (GRCh38, 1-based): chr7:143,342,389, T>C. VCF-style: chr7-143342389-T-C. GRCh37 (hg19) VCF-style: chr7-143039482-T-C.
Other names: short protein forms V605A.
Identifiers: ClinVar variation 948624 (VCV000948624.9), dbSNP rs773422802, ClinGen allele CA4537492.

ClinVar aggregate classification (germline): Uncertain significance (1 of 4 stars; one submission).

Conditions:
Congenital myotonia, autosomal dominant form (THD). Also called: THOMSEN DISEASE; Myotonia congenita autosomal dominant. Identifiers: Orphanet 614, MedGen C2936781, MONDO:0008055, OMIM 160800.
Congenital myotonia, autosomal recessive form. Also called: BECKER DISEASE; Becker Generalized Myotonia; myotonia congenita, autosomal recessive. Identifiers: Orphanet 614, MedGen C0751360, MONDO:0009715, OMIM 255700.

Allele frequency attached by ClinVar (database versions not stated): gnomAD exomes below 0.00001 and 0.00001; TOPMed below 0.00001; ExAC 0.00002.
gnomAD v4.1: 1 of 1,614,170 alleles (0.000062%); highest among the groups gnomAD compares: Admixed American, 0.0017%; no homozygotes.

Submission:

Labcorp Genetics (formerly Invitae), Labcorp
Classification: Uncertain significance for Congenital myotonia, autosomal recessive form; Congenital myotonia, autosomal dominant form. Last evaluated: 2024-03-09. Review status: criteria provided, single submitter. Criteria: Invitae Variant Classification Sherloc (09022015). Collection method: clinical testing. Allele origin: germline.
Comment: This sequence change replaces valine, which is neutral and non-polar, with alanine, which is neutral and non-polar, at codon 605 of the CLCN1 protein (p.Val605Ala). This variant is present in population databases (rs773422802, gnomAD 0.007%). This variant has not been reported in the literature in individuals affected with CLCN1-related conditions. ClinVar contains an entry for this variant (Variation ID: 948624). Advanced modeling of protein sequence and biophysical properties (such as structural, functional, and spatial information, amino acid conservation, physicochemical variation, residue mobility, and thermodynamic stability) performed at Invitae indicates that this missense variant is expected to disrupt CLCN1 protein function with a positive predictive value of 95%. In summary, the available evidence is currently insufficient to determine the role of this variant in disease. Therefore, it has been classified as a Variant of Uncertain Significance.